The following is an entry in ClinVar:

ClinVar aggregate classification (germline): Conflicting classifications of pathogenicity. Review status: criteria provided, conflicting classifications (1 of 4 stars). 4 submissions from 4 submitters: Uncertain significance (1); Likely benign (3). Last evaluated 2026-07-01.

Conditions:
Bardet-Biedl syndrome 10 (BBS10). Identifiers: Orphanet 110, MedGen C1859568, MONDO:0014438, OMIM 615987.
Bardet-Biedl syndrome (BBS). Identifiers: Orphanet 110, MedGen C0752166, MONDO:0015229.

Allele frequency attached by ClinVar (database versions not stated): ExAC 0.00002; gnomAD exomes 0.00002 and 0.00013; gnomAD 0.00007; ESP Exome Variant Server 0.00008; TOPMed 0.00008.
gnomAD v4.1: 190 of 1,613,672 alleles (0.012%); highest among the groups gnomAD compares: Non-Finnish European, 0.015%; no homozygotes.

Submissions (4):

CeGaT Center for Human Genetics Tuebingen
Classification: Likely benign. Last evaluated: 2026-07-01. Review status: criteria provided, single submitter. Criteria: CeGaT Center For Human Genetics Tuebingen Variant Classification Criteria Version 2. Collection method: clinical testing. Allele origin: germline. Affected: yes. Observed: 1 variant allele.
Comment: BBS10: BP4, BP7

Labcorp Genetics (formerly Invitae), Labcorp
Classification: Likely benign for Bardet-Biedl syndrome. Last evaluated: 2025-03-18. Review status: criteria provided, single submitter. Criteria: Invitae Variant Classification Sherloc (09022015). Collection method: clinical testing. Allele origin: germline.

Blueprint Genetics
Classification: Likely benign. Last evaluated: 2024-10-14. Review status: criteria provided, single submitter. Criteria: ACMG Guidelines, 2015. Collection method: clinical testing. Allele origin: germline.

Illumina Laboratory Services, Illumina
Classification: Uncertain significance for Bardet-Biedl syndrome 10. Last evaluated: 2018-01-13. Review status: criteria provided, single submitter. Criteria: ICSL Variant Classification Criteria 13 December 2019. Collection method: clinical testing. Allele origin: germline.

NM_024685.4(BBS10):c.375G>A (p.Arg125=)

Gene: BBS10 (Bardet-Biedl syndrome 10; minus strand). Cytogenetic location: 12q21.2.
Variant type: single nucleotide variant.
Coding change: c.375G>A on transcript NM_024685.4 (MANE Select); coding-DNA position 375, G replaced by A.
Protein change: p.Arg125=; no amino-acid change (arginine 125 retained).
Molecular consequence: synonymous variant.
Genome position (GRCh38, 1-based): chr12:76,347,610, C>T on the plus strand (G>A on the coding strand, the complement: BBS10 is on the minus strand). VCF-style: chr12-76347610-C-T. GRCh37 (hg19) VCF-style: chr12-76741390-C-T.
Identifiers: ClinVar variation 696944 (VCV000696944.16), dbSNP rs376030299, ClinGen allele CA6694363.